The following is an entry in ClinVar:

NM_001376.5(DYNC1H1):c.3650A>G (p.Glu1217Gly)

Gene: DYNC1H1 (dynein cytoplasmic 1 heavy chain 1; plus strand). Cytogenetic location: 14q32.31.
Variant type: single nucleotide variant.
Coding change: c.3650A>G on transcript NM_001376.5 (MANE Select); coding-DNA position 3650, A replaced by G.
Protein change: p.Glu1217Gly; replaces glutamic acid 1217 with glycine.
Molecular consequence: missense variant.
Genome position (GRCh38, 1-based): chr14:101,997,120, A>G. VCF-style: chr14-101997120-A-G. GRCh37 (hg19) VCF-style: chr14-102463457-A-G.
Other names: short protein forms E1217G.
Identifiers: ClinVar variation 4527266 (VCV004527266.1).

ClinVar aggregate classification (germline): Uncertain significance (1 of 4 stars; one submission).

Submission:

GeneDx
Classification: Uncertain significance. Last evaluated: 2025-04-22. Review status: criteria provided, single submitter. Criteria: GeneDx Variant Classification Process June 2021. Collection method: clinical testing. Allele origin: germline. Affected: yes.
Comment: Not observed at significant frequency in large population cohorts (gnomAD); In silico analysis supports that this missense variant has a deleterious effect on protein structure/function; Has not been previously published as pathogenic or benign to our knowledge; This variant is associated with the following publications: (PMID: 25512093, 25609763, 26100331)